The following is an entry in ClinVar:

NM_021076.4(NEFH):c.378G>A (p.Glu126=)

Gene: NEFH (neurofilament heavy chain; plus strand). Cytogenetic location: 22q12.2.
Variant type: single nucleotide variant.
Coding change: c.378G>A on transcript NM_021076.4 (MANE Select); coding-DNA position 378, G replaced by A.
Protein change: p.Glu126=; no amino-acid change (glutamic acid 126 retained).
Molecular consequence: synonymous variant.
Genome position (GRCh38, 1-based): chr22:29,480,640, G>A. VCF-style: chr22-29480640-G-A. GRCh37 (hg19) VCF-style: chr22-29876629-G-A.
Identifiers: ClinVar variation 3047499 (VCV003047499.2), dbSNP rs774176192, ClinGen allele CA514173345.
Genomic context (GRCh38, chr22:29,480,640, plus strand): 5'-CCGCTTCGCCGGGTACATCGACAAGGTGCGGCAGCTGGAGGCGCACAACCGCAGCCTGGA[G>A]GGCGAGGCTGCGGCGCTGCGGCAGCAGCAGGCGGGCCGCTCCGCTATGGGCGAGCTGTAC-3'
Protein context (NP_066554.2, residues 116-136): RQLEAHNRSL[Glu126=]GEAAALRQQQ

ClinVar aggregate classification (germline): Likely benign (0 of 4 stars; one submission).

Conditions:
NEFH-related disorder. Also called: NEFH-related condition.

Allele frequency attached by ClinVar (database versions not stated): TOPMed below 0.00001; gnomAD 0.00001.

Submission:

PreventionGenetics, part of Exact Sciences
Classification: Likely benign for NEFH-related condition. Last evaluated: 2023-06-08. Review status: no assertion criteria provided. Collection method: clinical testing. Allele origin: germline.
Comment: This variant is classified as likely benign based on ACMG/AMP sequence variant interpretation guidelines (Richards et al. 2015 PMID: 25741868, with internal and published modifications).